The following is an entry in ClinVar:

ClinVar aggregate classification (germline): Uncertain significance (1 of 4 stars; one submission).

gnomAD v4.1: 2 of 1,611,782 alleles (0.00012%); highest among the groups gnomAD compares: Admixed American, 0.0033%; no homozygotes.

Submission:

Ambry Genetics
Classification: Uncertain significance. Last evaluated: 2025-08-29. Review status: criteria provided, single submitter. Criteria: Ambry Variant Classification Scheme 2023. Collection method: clinical testing. Allele origin: germline.
Comment: The p.S1072P variant (also known as c.3214T>C), located in coding exon 12 of the WNK2 gene, results from a T to C substitution at nucleotide position 3214. The serine at codon 1072 is replaced by proline, an amino acid with similar properties. This amino acid position is conserved. In addition, this alteration is predicted to be tolerated by in silico analysis. Based on the available evidence, the clinical significance of this variant remains unclear.

NM_006648.4(WNK2):c.3214T>C (p.Ser1072Pro)

Gene: WNK2 (WNK lysine deficient protein kinase 2; plus strand). Cytogenetic location: 9q22.31.
Variant type: single nucleotide variant.
Coding change: c.3214T>C on transcript NM_006648.4 (MANE Select); coding-DNA position 3214, T replaced by C.
Protein change: p.Ser1072Pro; replaces serine 1072 with proline.
Molecular consequence: missense variant.
Genome position (GRCh38, 1-based): chr9:93,261,961, T>C. VCF-style: chr9-93261961-T-C. GRCh37 (hg19) VCF-style: chr9-96024243-T-C.
Other names: c.3214T>C, p.Ser1072Pro (NM_001282394.3); short protein forms S1072P.
Identifiers: ClinVar variation 4201839 (VCV004201839.1).